The following is an entry in ClinVar:

ClinVar aggregate classification (germline): Uncertain significance (1 of 4 stars; one submission).

Submission:

Labcorp Genetics (formerly Invitae), Labcorp
Classification: Uncertain significance. Last evaluated: 2021-12-02. Review status: criteria provided, single submitter. Criteria: Invitae Variant Classification Sherloc (09022015). Collection method: clinical testing. Allele origin: germline.
Comment: This variant is present in population databases (rs746994626, gnomAD 0.01%). In summary, the available evidence is currently insufficient to determine the role of this variant in disease. Therefore, it has been classified as a Variant of Uncertain Significance. Experimental studies and prediction algorithms are not available or were not evaluated, and the functional significance of this variant is currently unknown. This variant has not been reported in the literature in individuals affected with JAM3-related conditions. This variant, c.581_583del, results in the deletion of 1 amino acid(s) of the JAM3 protein (p.Ser194del), but otherwise preserves the integrity of the reading frame.

NM_032801.5(JAM3):c.578CTT[1] (p.Ser194del)

Gene: JAM3 (junctional adhesion molecule 3; plus strand). Cytogenetic location: 11q25.
Variant type: Microsatellite.
Coding change: c.578CTT[1] on transcript NM_032801.5 (MANE Select); one copy of the 3-base unit CTT starting at c.578; the reference has two copies in a row; one copy, 3 bases deleted.
Protein change: p.Ser194del; deletes serine 194.
Molecular consequence: inframe deletion.
Genome position (GRCh38, 1-based): chr11:134,144,963-134,144,965, CTT deleted; deleting any 3 consecutive bases within chr11:134,144,958-134,144,965 gives the same sequence; the position shown is the placement nearest the transcript's 3' end. VCF-style (leftmost placement, unchanged base first): chr11-134144957-ATTC-A. GRCh37 (hg19) VCF-style: chr11-134014852-ATTC-A.
Other names: c.425CTT[1], p.Ser143del (NM_001205329.2); short protein forms S143del, S194del.
Identifiers: ClinVar variation 1492574 (VCV001492574.8), dbSNP rs746994626, ClinGen allele CA6370087.